The following is an entry in ClinVar:

NM_002633.3(PGM1):c.1515C>T (p.Ser505=)

Gene: PGM1 (phosphoglucomutase 1; plus strand). Cytogenetic location: 1p31.3.
Variant type: single nucleotide variant.
Coding change: c.1515C>T on transcript NM_002633.3 (MANE Select); coding-DNA position 1515, C replaced by T.
Protein change: p.Ser505=; no amino-acid change (serine 505 retained).
Molecular consequence: synonymous variant.
Genome position (GRCh38, 1-based): chr1:63,654,382, C>T. VCF-style: chr1-63654382-C-T. GRCh37 (hg19) VCF-style: chr1-64120053-C-T.
Other names: c.1569C>T, p.Ser523= (NM_001172818.1); c.924C>T, p.Ser308= (NM_001172819.2).
Identifiers: ClinVar variation 517850 (VCV000517850.17), dbSNP rs61760978, ClinGen allele CA889878.
Genomic context (GRCh38, chr1:63,654,382, plus strand): 5'-TCTTTTCCAGGGCTTGCGCCTCATTTTCACAGATGGTTCTCGAATCGTCTTCCGACTGAG[C>T]GGCACTGGGAGTGCCGGGGCCACCATTCGGCTGTACATCGATAGCTATGAGAAGGACGTT-3'
Protein context (NP_002624.2, residues 495-515): TDGSRIVFRL[Ser505=]GTGSAGATIR

ClinVar aggregate classification (germline): Likely benign. Review status: criteria provided, multiple submitters, no conflicts (2 of 4 stars). 4 submissions from 4 submitters: Likely benign (4). Last evaluated 2026-01-21.

Conditions:
PGM1-congenital disorder of glycosylation. Also called: PHOSPHOGLUCOMUTASE 1 DEFICIENCY; PGM1 DEFICIENCY; GLYCOGEN STORAGE DISEASE XIV; GSD XIV; Congenital disorder of glycosylation type 1t; CDG It. Identifiers: Orphanet 319646, MedGen C2752015, MONDO:0013968, OMIM 614921.

Allele frequency attached by ClinVar (database versions not stated): gnomAD exomes 0.00016; TOPMed 0.00022; ESP Exome Variant Server 0.00023; 1000 Genomes Project 30x 0.00062; 1000 Genomes Project 0.00080.
gnomAD v4.1: 355 of 1,613,678 alleles (0.022%); highest among the groups gnomAD compares: Admixed American, 0.037%; 1 homozygote.

Submissions (4):

Labcorp Genetics (formerly Invitae), Labcorp
Classification: Likely benign for PGM1-congenital disorder of glycosylation. Last evaluated: 2026-01-21. Review status: criteria provided, single submitter. Criteria: Invitae Variant Classification Sherloc (09022015). Collection method: clinical testing. Allele origin: germline.

CeGaT Center for Human Genetics Tuebingen
Classification: Likely benign. Last evaluated: 2026-01-01. Review status: criteria provided, single submitter. Criteria: CeGaT Center For Human Genetics Tuebingen Variant Classification Criteria Version 2. Collection method: clinical testing. Allele origin: germline. Affected: yes. Observed: 1 variant allele.
Comment: PGM1: BP4, BP7

Blueprint Genetics
Classification: Likely benign. Last evaluated: 2024-09-06. Review status: criteria provided, single submitter. Criteria: ACMG Guidelines, 2015. Collection method: clinical testing. Allele origin: germline.

GeneDx
Classification: Likely benign. Last evaluated: 2020-01-16. Review status: criteria provided, single submitter. Criteria: GeneDx Variant Classification Process June 2021. Collection method: clinical testing. Allele origin: germline. Affected: yes.